The following is an entry in ClinVar:

ClinVar aggregate classification (germline): Uncertain significance (1 of 4 stars; one submission).

Allele frequency attached by ClinVar (database versions not stated): ExAC 0.00001; gnomAD 0.00001; gnomAD exomes 0.00002; TOPMed 0.00003.
gnomAD v4.1: 27 of 1,613,908 alleles (0.0017%); highest among the groups gnomAD compares: Non-Finnish European, 0.0022%; no homozygotes.

Submission:

Labcorp Genetics (formerly Invitae), Labcorp
Classification: Uncertain significance. Last evaluated: 2025-12-16. Review status: criteria provided, single submitter. Criteria: Invitae Variant Classification Sherloc (09022015). Collection method: clinical testing. Allele origin: germline.
Comment: This sequence change replaces serine, which is neutral and polar, with arginine, which is basic and polar, at codon 310 of the COL4A2 protein (p.Ser310Arg). This variant is present in population databases (rs200875510, gnomAD 0.004%). This variant has not been reported in the literature in individuals affected with COL4A2-related conditions. ClinVar contains an entry for this variant (Variation ID: 2170772). Invitae Evidence Modeling of protein sequence and biophysical properties (such as structural, functional, and spatial information, amino acid conservation, physicochemical variation, residue mobility, and thermodynamic stability) indicates that this missense variant is not expected to disrupt COL4A2 protein function with a negative predictive value of 95%. In summary, the available evidence is currently insufficient to determine the role of this variant in disease. Therefore, it has been classified as a Variant of Uncertain Significance.

NM_001846.4(COL4A2):c.930T>A (p.Ser310Arg)

Gene: COL4A2 (collagen type IV alpha 2 chain; plus strand). Cytogenetic location: 13q34.
Variant type: single nucleotide variant.
Coding change: c.930T>A on transcript NM_001846.4 (MANE Select); coding-DNA position 930, T replaced by A.
Protein change: p.Ser310Arg; replaces serine 310 with arginine.
Molecular consequence: missense variant.
Genome position (GRCh38, 1-based): chr13:110,439,806, T>A. VCF-style: chr13-110439806-T-A. GRCh37 (hg19) VCF-style: chr13-111092153-T-A.
Other names: short protein forms S310R.
Identifiers: ClinVar variation 2170772 (VCV002170772.4), dbSNP rs200875510, ClinGen allele CA7049228.